The following is an entry in ClinVar:

NM_001458.5(FLNC):c.2122-17T>C

Genes: FLNC (filamin C; plus strand), LOC129999273 (ATAC-STARR-seq lymphoblastoid silent region 18616; plus strand). Cytogenetic location: 7q32.1.
Variant type: single nucleotide variant.
Coding change: c.2122-17T>C on transcript NM_001458.5 (MANE Select); 17 bases into the intron before coding-DNA position 2122, T replaced by C.
Molecular consequence: intron variant.
Genome position (GRCh38, 1-based): chr7:128,842,214, T>C. VCF-style: chr7-128842214-T-C. GRCh37 (hg19) VCF-style: chr7-128482268-T-C.
Other names: c.2122-17T>C (NM_001127487.2).
Identifiers: ClinVar variation 258130 (VCV000258130.16), dbSNP rs144828462, ClinGen allele CA4474604.

ClinVar aggregate classification (germline): Benign/Likely benign. Review status: criteria provided, multiple submitters, no conflicts (2 of 4 stars). 8 submissions from 8 submitters: Benign (5); Likely benign (1). 2 of the submissions do not count toward it. Last evaluated 2026-02-03.

Conditions:
Myofibrillar myopathy 5. Also called: Filaminopathy (type); FILAMINOPATHY, AUTOSOMAL DOMINANT. Identifiers: Orphanet 171445, MedGen C1836050, MONDO:0012289, OMIM 609524.
Distal myopathy with posterior leg and anterior hand involvement. Also called: WILLIAMS DISTAL MYOPATHY. Identifiers: Orphanet 63273, MedGen C3279722, MONDO:0013550, OMIM 614065.
Hypertrophic cardiomyopathy 26. Also called: Cardiomyopathy, familial hypertrophic, 26. Identifiers: Orphanet 75249, MedGen C4310749, MONDO:0014883, OMIM 617047.

Allele frequency attached by ClinVar (database versions not stated): ESP Exome Variant Server 0.00112; gnomAD 0.00135 and 0.00345; TOPMed 0.00171; gnomAD exomes 0.00824; ExAC 0.00985; 1000 Genomes Project 30x 0.02202; 1000 Genomes Project 0.02416.
gnomAD v4.1: 7,920 of 1,613,312 alleles (0.49%); highest among the groups gnomAD compares: South Asian, 5%; 179 homozygotes.

Submissions (8):

Labcorp Genetics (formerly Invitae), Labcorp
Classification: Benign for Distal myopathy with posterior leg and anterior hand involvement; Myofibrillar myopathy 5; Hypertrophic cardiomyopathy 26. Last evaluated: 2026-02-03. Review status: criteria provided, single submitter. Criteria: Invitae Variant Classification Sherloc (09022015). Collection method: clinical testing. Allele origin: germline.

ARUP Laboratories, Molecular Genetics and Genomics, ARUP Laboratories
Classification: Benign. Last evaluated: 2025-06-05. Review status: criteria provided, single submitter. Criteria: ARUP Molecular Germline Variant Investigation Process 2024. Collection method: clinical testing. Allele origin: germline.

Blueprint Genetics
Classification: Likely benign. Last evaluated: 2024-11-26. Review status: criteria provided, single submitter. Criteria: ACMG Guidelines, 2015. Collection method: clinical testing. Allele origin: germline.

Women's Health and Genetics/Laboratory Corporation of America, LabCorp
Classification: Benign. Last evaluated: 2023-04-10. Review status: criteria provided, single submitter. Criteria: LabCorp Variant Classification Summary - May 2015. Collection method: clinical testing. Allele origin: germline.

GeneDx
Classification: Benign. Last evaluated: 2016-04-26. Review status: criteria provided, single submitter. Criteria: GeneDx Variant Classification (06012015). Collection method: clinical testing. Allele origin: germline. Affected: yes.
Comment: This variant is considered likely benign or benign based on one or more of the following criteria: it is a conservative change, it occurs at a poorly conserved position in the protein, it is predicted to be benign by multiple in silico algorithms, and/or has population frequency not consistent with disease.

PreventionGenetics, part of Exact Sciences
Classification: Benign. Review status: criteria provided, single submitter. Criteria: ACMG Guidelines, 2015. Collection method: clinical testing. Allele origin: germline.

Clinical Genetics, Academic Medical Center
Classification: Benign. Review status: no assertion criteria provided. Collection method: clinical testing. Allele origin: germline. Affected: yes. Study: VKGL Data-share Consensus. Not counted in ClinVar's aggregate classification.

Joint Genome Diagnostic Labs from Nijmegen and Maastricht, Radboudumc and MUMC+
Classification: Benign. Review status: no assertion criteria provided. Collection method: clinical testing. Allele origin: germline. Affected: yes. Study: VKGL Data-share Consensus. Not counted in ClinVar's aggregate classification.